The following is an entry in ClinVar:

ClinVar aggregate classification (germline): Pathogenic (1 of 4 stars; one submission).

Conditions:
Hereditary cancer-predisposing syndrome. Also called: Hereditary neoplastic syndrome; Hereditary Cancer Syndrome; Neoplastic Syndromes, Hereditary; Tumor predisposition. Identifiers: Orphanet 140162, MedGen C0027672, MeSH D009386, MONDO:0015356.

Submission:

Ambry Genetics
Classification: Pathogenic for Hereditary cancer-predisposing syndrome. Last evaluated: 2023-06-04. Review status: criteria provided, single submitter. Criteria: Ambry Variant Classification Scheme 2023. Collection method: clinical testing. Allele origin: germline.
Comment: The c.3213delA variant, located in coding exon 22 of the SMARCA4 gene, results from a deletion of one nucleotide at nucleotide position 3213, causing a translational frameshift with a predicted alternate stop codon (p.L1073Wfs*33). This alteration has been observed in at least one individual with a personal and/or family history that is consistent with rhabdoid tumor predisposition syndrome-related disease (Ambry internal data). This alteration is expected to result in loss of function by premature protein truncation or nonsense-mediated mRNA decay. Loss-of-function variants in SMARCA4 are known to cause rhabdoid tumor predisposition syndrome including small cell carcinoma of the ovary-hypercalcemic type (SCCOHT); however, such associations with neurodevelopmental disorders are exceedingly rare (Kosho T et al. Am J Med Genet C Semin Med Genet. 2014 Sep;166C(3):262-75; Jelinic P et al. Nat Genet. 2014 May;46(5):424-6). Based on the supporting evidence, this alteration is pathogenic for rhabdoid tumor predisposition syndrome; however, the association of this alteration with Coffin-Siris syndrome is unlikely.

NM_003072.5(SMARCA4):c.3213del (p.Leu1073fs)

Gene: SMARCA4 (SWI/SNF related BAF chromatin remodeling complex subunit ATPase 4; plus strand). Cytogenetic location: 19p13.2.
Variant type: Deletion.
Coding change: c.3213del on transcript NM_003072.5 (MANE Select); coding-DNA position 3213, one base deleted (A; older notation c.3213delA).
Protein change: p.Leu1073fs; shifts the reading frame from leucine 1073.
Molecular consequence: frameshift variant. On other transcripts: non-coding transcript variant (1).
Genome position (GRCh38, 1-based): chr19:11,026,344, A deleted; the last of 2 consecutive A bases (chr19:11,026,343-11,026,344); deleting either gives the same sequence. VCF-style (leftmost placement, unchanged base first): chr19-11026342-CA-C. GRCh37 (hg19) VCF-style: chr19-11137018-CA-C.
Other names: c.3213del, p.Leu1073fs (NM_001128844.3, NM_001128845.2, NM_001128846.2 and 6 more transcripts); short protein forms L1073fs.
Identifiers: ClinVar variation 2567156 (VCV002567156.2), dbSNP rs2515063089, ClinGen allele CA2580613057.
Genomic context (GRCh38, chr19:11,026,342, plus strand): 5'-TCTCTCCTTGCCTTGCAGGAGTCCTTTTCCGAGCACTTGGGGTTCACTGGCGGCATTGTC[CA>C]AGGGTGAGAAGCTTCCCAACTGGATGGGGTGGGCAGGTGGTCCACCCAGAGGTTTTCTGT-3'